The following is an entry in ClinVar:

ClinVar aggregate classification (germline): Pathogenic. Review status: criteria provided, multiple submitters, no conflicts (2 of 4 stars). 3 submissions from 3 submitters: Pathogenic (3). Last evaluated 2024-10-11.

Conditions:
Inborn genetic diseases. Identifiers: MedGen C0950123, MeSH D030342.
Combined pituitary hormone deficiencies, genetic form. Also called: Pituitary hormone deficiency, combined. Identifiers: Orphanet 95494, MedGen C4273747, MONDO:0013099.
Pituitary hormone deficiency, combined, 1 (CPHD1). Also called: Pituitary hormone deficiency, combined or isolated, 1. Identifiers: MedGen C2751608, MONDO:0024464, OMIM 613038.

gnomAD v4.1: 5 of 1,611,042 alleles (0.00031%); highest among the groups gnomAD compares: Non-Finnish European, 0.00042%; no homozygotes.

Submissions (3):

Revvity Omics, Revvity
Classification: Pathogenic for Pituitary hormone deficiency, combined, 1. Last evaluated: 2024-10-11. Review status: criteria provided, single submitter. Criteria: ACMG Guidelines, 2015. Collection method: clinical testing. Allele origin: germline.

Women's Health and Genetics/Laboratory Corporation of America, LabCorp
Classification: Pathogenic for Combined pituitary hormone deficiencies, genetic form. Last evaluated: 2023-11-20. Review status: criteria provided, single submitter. Criteria: LabCorp Variant Classification Summary - May 2015. Collection method: clinical testing. Allele origin: germline.
Comment: Variant summary: POU1F1 c.427C>T (p.Arg143X) results in a premature termination codon, predicted to cause a truncation of the encoded protein or absence of the protein due to nonsense mediated decay, which are commonly known mechanisms for disease. The variant was absent in 250890 control chromosomes. c.427C>T has been reported in the literature in homozygous individuals affected with severe growth hormone deficieny (e.g. Blum_2018). These data indicate that the variant is likely to be associated with disease. To our knowledge, no experimental evidence demonstrating an impact on protein function has been reported. The following publication has been ascertained in the context of this evaluation (PMID: 30266296). One submitter has cited clinical-significance assessments for this variant to ClinVar after 2014 and has classified the variant as pathogenic. Based on the evidence outlined above, the variant was classified as pathogenic.

Ambry Genetics
Classification: Pathogenic for Inborn genetic diseases. Last evaluated: 2022-02-04. Review status: criteria provided, single submitter. Criteria: Ambry Variant Classification Scheme 2023. Collection method: clinical testing. Allele origin: germline.
Comment: The c.427C>T (p.R143*) alteration, located in exon 3 (coding exon 3) of the POU1F1 gene, consists of a C to T substitution at nucleotide position 427. This changes the amino acid from an arginine (R) to a stop codon at amino acid position 143. This alteration is expected to result in loss of function by premature protein truncation or nonsense-mediated mRNA decay. Although biallelic loss of function alterations in POU1F1 have been associated with autosomal recessive POU1F1-related combined pituitary hormone deficiency, haploinsufficiency for POU1F1 has not been established as a mechanism of disease for autosomal dominant POU1F1-related combined pituitary hormone deficiency. Based on the available evidence, this variant is expected to be causative of autosomal recessive POU1F1-related combined pituitary hormone deficiency; however, its clinical significance for autosomal dominant POU1F1-related combined pituitary hormone deficiency is unclear. This variant was not reported in population-based cohorts in the Genome Aggregation Database (gnomAD). This alteration has been previously reported in the homozygous state in individuals with growth hormone deficiency (Blum, 2018). Based on the available evidence, this alteration is classified as pathogenic.

Literature cited by the submitters: PubMed 30266296 (cited by Women's Health and Genetics/Laboratory Corporation of America, LabCorp and Ambry Genetics).

NM_000306.4(POU1F1):c.427C>T (p.Arg143Ter)

Gene: POU1F1 (POU class 1 homeobox 1; minus strand). Cytogenetic location: 3p11.2.
Variant type: single nucleotide variant.
Coding change: c.427C>T on transcript NM_000306.4 (MANE Select); coding-DNA position 427, C replaced by T.
Protein change: p.Arg143Ter; replaces arginine 143 with a stop codon.
Molecular consequence: nonsense.
Genome position (GRCh38, 1-based): chr3:87,264,300, G>A on the plus strand (C>T on the coding strand, the complement: POU1F1 is on the minus strand). VCF-style: chr3-87264300-G-A. GRCh37 (hg19) VCF-style: chr3-87313450-G-A.
Other names: c.505C>T, p.Arg169Ter (NM_001122757.3); short protein forms R169*, R143*.
Identifiers: ClinVar variation 2258706 (VCV002258706.4), dbSNP rs142046308, ClinGen allele CA79036901.